The following is an entry in ClinVar:

ClinVar aggregate classification (germline): Uncertain significance (1 of 4 stars; one submission).

Conditions:
Cardiovascular phenotype. Identifiers: MedGen CN230736.

Submission:

Ambry Genetics
Classification: Uncertain significance for Cardiovascular phenotype. Last evaluated: 2024-05-02. Review status: criteria provided, single submitter. Criteria: Ambry Variant Classification Scheme 2023. Collection method: clinical testing. Allele origin: germline.
Comment: The p.G391V variant (also known as c.1172G>T), located in coding exon 8 of the TBX1 gene, results from a G to T substitution at nucleotide position 1172. The glycine at codon 391 is replaced by valine, an amino acid with dissimilar properties. This amino acid position is conserved. In addition, the in silico prediction for this alteration is inconclusive. Based on the available evidence, the clinical significance of this variant remains unclear.

NM_001379200.1(TBX1):c.1199G>T (p.Gly400Val)

Gene: TBX1 (T-box transcription factor 1; plus strand). Cytogenetic location: 22q11.21.
Variant type: single nucleotide variant.
Coding change: c.1199G>T on transcript NM_001379200.1 (MANE Select); coding-DNA position 1199, G replaced by T.
Protein change: p.Gly400Val; replaces glycine 400 with valine.
Molecular consequence: missense variant. On other transcripts: intron variant (2).
Genome position (GRCh38, 1-based): chr22:19,766,551, G>T. VCF-style: chr22-19766551-G-T. GRCh37 (hg19) VCF-style: chr22-19754074-G-T.
Other names: c.1172G>T, p.Gly391Val (NM_080647.1); c.1009+549G>T (NM_005992.1, NM_080646.2); short protein forms G391V, G400V.
Identifiers: ClinVar variation 3324834 (VCV003324834.1).
Genomic context (GRCh38, chr22:19,766,551, plus strand): 5'-CCTCGCTGCCCGGGGCCGGCGGCGCCGGCGGCTTAGTCCCGCTGCCCGGCGCGCCCGGAG[G>T]CCGGCCCAGTCCCCCGAACCCCGAGCTGCGCCTGGAGGCGCCCGGCGCATCGGAGCCGCT-3'
Protein context (NP_001366129.1, residues 390-410): GLVPLPGAPG[Gly400Val]RPSPPNPELR